The following is an entry in ClinVar:

ClinVar aggregate classification (germline): Likely benign (1 of 4 stars; one submission).

Allele frequency attached by ClinVar (database versions not stated): 1000 Genomes Project 30x 0.00656; gnomAD 0.00383 and 0.00365; 1000 Genomes Project 0.00599; TOPMed 0.00377.
gnomAD v4.1: 538 of 149,600 alleles (0.36%); highest among the groups gnomAD compares: African/African-American, 1.2%; 4 homozygotes.

Submission:

GeneDx
Classification: Likely benign. Last evaluated: 2018-06-16. Review status: criteria provided, single submitter. Criteria: GeneDx Variant Classification (06012015). Collection method: clinical testing. Allele origin: germline. Affected: yes.
Comment: This variant is considered likely benign or benign based on one or more of the following criteria: it is a conservative change, it occurs at a poorly conserved position in the protein, it is predicted to be benign by multiple in silico algorithms, and/or has population frequency not consistent with disease.

NM_001005373.4(LRSAM1):c.750+313G>A

Gene: LRSAM1 (leucine rich repeat and sterile alpha motif containing 1; plus strand). Cytogenetic location: 9q33.3.
Variant type: single nucleotide variant.
Coding change: c.750+313G>A on transcript NM_001005373.4 (MANE Select); 313 bases into the intron after coding-DNA position 750, G replaced by A.
Molecular consequence: intron variant.
Genome position (GRCh38, 1-based): chr9:127,474,244, G>A. VCF-style: chr9-127474244-G-A. GRCh37 (hg19) VCF-style: chr9-130236523-G-A.
Other names: c.750+313G>A (NM_138361.5, NM_001384142.1, NM_001384143.1 and 2 more transcripts); c.-35+313G>A (NM_001384144.1).
Identifiers: ClinVar variation 673458 (VCV000673458.1), dbSNP rs184257921, ClinGen allele CA199848119.